The following is an entry in ClinVar:

NM_005431.2(XRCC2):c.294C>G (p.His98Gln)

Gene: XRCC2 (X-ray repair cross complementing 2; minus strand). Cytogenetic location: 7q36.1.
Variant type: single nucleotide variant.
Coding change: c.294C>G on transcript NM_005431.2 (MANE Select); coding-DNA position 294, C replaced by G.
Protein change: p.His98Gln; replaces histidine 98 with glutamine.
Molecular consequence: missense variant.
Genome position (GRCh38, 1-based): chr7:152,649,191, G>C on the plus strand (C>G on the coding strand, the complement: XRCC2 is on the minus strand). VCF-style: chr7-152649191-G-C. GRCh37 (hg19) VCF-style: chr7-152346276-G-C.
Other names: short protein forms H98Q.
Identifiers: ClinVar variation 3817839 (VCV003817839.2).
Genomic context (GRCh38, chr7:152,649,191, plus strand): 5'-CACCAAAAAAAATCTTCCCAGGCAGTATTTGATTATTTCTTCAGAGCTTTGGGATAGTCT[G>C]TGCTCAAGAATTGTAACTAGCCGGAGCATATCAAAGTGGTAATCTGTATCAATAAATAAG-3'
Protein context (NP_005422.1, residues 88-108): DMLRLVTILE[His98Gln]RLSQSSEEII

ClinVar aggregate classification (germline): Uncertain significance. Review status: criteria provided, multiple submitters, no conflicts (2 of 4 stars). 2 submissions from 2 submitters: Uncertain significance (2). Last evaluated 2025-06-06.

Conditions:
Hereditary cancer-predisposing syndrome. Also called: Hereditary neoplastic syndrome; Neoplastic Syndromes, Hereditary; Tumor predisposition; Hereditary Cancer Syndrome. Identifiers: Orphanet 140162, MedGen C0027672, MeSH D009386, MONDO:0015356.

Submissions (2):

Labcorp Genetics (formerly Invitae), Labcorp
Classification: Uncertain significance. Last evaluated: 2025-06-06. Review status: criteria provided, single submitter. Criteria: Invitae Variant Classification Sherloc (09022015). Collection method: clinical testing. Allele origin: germline.
Comment: This sequence change replaces histidine, which is basic and polar, with glutamine, which is neutral and polar, at codon 98 of the XRCC2 protein (p.His98Gln). This variant is not present in population databases (gnomAD no frequency). This variant has not been reported in the literature in individuals affected with XRCC2-related conditions. ClinVar contains an entry for this variant (Variation ID: 3817839). Invitae Evidence Modeling of protein sequence and biophysical properties (such as structural, functional, and spatial information, amino acid conservation, physicochemical variation, residue mobility, and thermodynamic stability) indicates that this missense variant is not expected to disrupt XRCC2 protein function with a negative predictive value of 80%. In summary, the available evidence is currently insufficient to determine the role of this variant in disease. Therefore, it has been classified as a Variant of Uncertain Significance.

Ambry Genetics
Classification: Uncertain significance for Hereditary cancer-predisposing syndrome. Last evaluated: 2025-01-08. Review status: criteria provided, single submitter. Criteria: Ambry Variant Classification Scheme 2023. Collection method: clinical testing. Allele origin: germline.
Comment: The p.H98Q variant (also known as c.294C>G), located in coding exon 3 of the XRCC2 gene, results from a C to G substitution at nucleotide position 294. The histidine at codon 98 is replaced by glutamine, an amino acid with highly similar properties. This amino acid position is conserved. In addition, this alteration is predicted to be tolerated by in silico analysis. Based on the available evidence, the clinical significance of this variant remains unclear.